The following is an entry in ClinVar:

NM_015488.5(PNKD):c.1036C>T (p.His346Tyr)

Genes: CATIP-AS2 (CATIP antisense RNA 2; minus strand), PNKD (PNKD metallo-beta-lactamase domain containing; plus strand). Cytogenetic location: 2q35.
Variant type: single nucleotide variant.
Coding change: c.1036C>T on transcript NM_015488.5 (MANE Select); coding-DNA position 1036, C replaced by T.
Protein change: p.His346Tyr; replaces histidine 346 with tyrosine.
Molecular consequence: missense variant.
Genome position (GRCh38, 1-based): chr2:218,344,859, C>T. VCF-style: chr2-218344859-C-T. GRCh37 (hg19) VCF-style: chr2-219209582-C-T.
Other names: c.964C>T, p.His322Tyr (NM_022572.5); short protein forms H322Y, H346Y.
Identifiers: ClinVar variation 2703130 (VCV002703130.3), dbSNP rs2469474526, ClinGen allele CA350543646.

ClinVar aggregate classification (germline): Uncertain significance (1 of 4 stars; one submission).

Conditions:
Paroxysmal nonkinesigenic dyskinesia. Also called: Paroxysmal non-kinesigenic dyskinesia. Identifiers: Orphanet 98810, MedGen C1869117, MONDO:0700088.

Allele frequency attached by ClinVar (database versions not stated): gnomAD exomes below 0.00001.
gnomAD v4.1: 2 of 1,614,010 alleles (0.00012%); highest among the groups gnomAD compares: African/African-American, 0.0013%; no homozygotes.

Submission:

Labcorp Genetics (formerly Invitae), Labcorp
Classification: Uncertain significance for Paroxysmal nonkinesigenic dyskinesia. Last evaluated: 2023-12-14. Review status: criteria provided, single submitter. Criteria: Invitae Variant Classification Sherloc (09022015). Collection method: clinical testing. Allele origin: germline.
Comment: This sequence change replaces histidine, which is basic and polar, with tyrosine, which is neutral and polar, at codon 346 of the PNKD protein (p.His346Tyr). This variant is not present in population databases (gnomAD no frequency). This variant has not been reported in the literature in individuals affected with PNKD-related conditions. Advanced modeling of protein sequence and biophysical properties (such as structural, functional, and spatial information, amino acid conservation, physicochemical variation, residue mobility, and thermodynamic stability) performed at Invitae indicates that this missense variant is not expected to disrupt PNKD protein function with a negative predictive value of 80%. In summary, the available evidence is currently insufficient to determine the role of this variant in disease. Therefore, it has been classified as a Variant of Uncertain Significance.